The following is an entry in ClinVar:

ClinVar aggregate classification (germline): Uncertain significance (1 of 4 stars; one submission).

Conditions:
Mosaic variegated aneuploidy syndrome 2 (MVA2). Identifiers: Orphanet 1052, MedGen C3279843, MONDO:0013582, OMIM 614114.

Submission:

Labcorp Genetics (formerly Invitae), Labcorp
Classification: Uncertain significance for Mosaic variegated aneuploidy syndrome 2. Last evaluated: 2023-06-27. Review status: criteria provided, single submitter. Criteria: Invitae Variant Classification Sherloc (09022015). Collection method: clinical testing. Allele origin: germline.
Comment: In summary, the available evidence is currently insufficient to determine the role of this variant in disease. Therefore, it has been classified as a Variant of Uncertain Significance. Advanced modeling of protein sequence and biophysical properties (such as structural, functional, and spatial information, amino acid conservation, physicochemical variation, residue mobility, and thermodynamic stability) performed at Invitae indicates that this missense variant is not expected to disrupt CEP57 protein function. This variant has not been reported in the literature in individuals affected with CEP57-related conditions. This variant is not present in population databases (gnomAD no frequency). This sequence change replaces leucine, which is neutral and non-polar, with isoleucine, which is neutral and non-polar, at codon 142 of the CEP57 protein (p.Leu142Ile).

NM_014679.5(CEP57):c.424C>A (p.Leu142Ile)

Gene: CEP57 (centrosomal protein 57; plus strand). Cytogenetic location: 11q21.
Variant type: single nucleotide variant.
Coding change: c.424C>A on transcript NM_014679.5 (MANE Select); coding-DNA position 424, C replaced by A.
Protein change: p.Leu142Ile; replaces leucine 142 with isoleucine.
Molecular consequence: missense variant.
Genome position (GRCh38, 1-based): chr11:95,813,509, C>A. VCF-style: chr11-95813509-C-A. GRCh37 (hg19) VCF-style: chr11-95546673-C-A.
Other names: c.397C>A, p.Leu133Ile (NM_001243776.2); c.424C>A, p.Leu142Ile (NM_001243777.2); c.343C>A, p.Leu115Ile (NM_001363604.2); short protein forms L142I, L115I, L133I.
Identifiers: ClinVar variation 3002405 (VCV003002405.3), dbSNP rs2496226387, ClinGen allele CA382421856.